The following is an entry in ClinVar:

ClinVar aggregate classification (germline): Likely benign. Review status: criteria provided, multiple submitters, no conflicts (2 of 4 stars). 4 submissions from 4 submitters: Likely benign (4). Last evaluated 2026-06-29.

Conditions:
IGHMBP2-related disorder. Also called: IGHMBP2-related condition; IGHMBP2-related disorders.
Charcot-Marie-Tooth disease axonal type 2S. Also called: CHARCOT-MARIE-TOOTH NEUROPATHY, TYPE 2S; CHARCOT-MARIE-TOOTH DISEASE, AXONAL, AUTOSOMAL RECESSIVE, TYPE 2S. Identifiers: Orphanet 443073, MedGen C4015349, MONDO:0014511, OMIM 616155.
Autosomal recessive distal spinal muscular atrophy 1. Also called: Spinal muscular atrophy with respiratory distress 1; NEURONOPATHY, DISTAL HEREDITARY MOTOR, HARDING TYPE VI; NEUROPATHY, DISTAL HEREDITARY MOTOR, AUTOSOMAL RECESSIVE 1; HMN VI; NEURONOPATHY, SEVERE INFANTILE AXONAL, WITH RESPIRATORY FAILURE; SEVERE INFANTILE AXONAL NEUROPATHY WITH RESPIRATORY FAILURE. Identifiers: Orphanet 98920, MedGen C1858517, MONDO:0011436, OMIM 604320.

Allele frequency attached by ClinVar (database versions not stated): gnomAD exomes 0.00004 and 0.00011; gnomAD 0.00010 and 0.00011; ExAC 0.00011; ESP Exome Variant Server 0.00015; TOPMed 0.00022; 1000 Genomes Project 30x 0.00031; 1000 Genomes Project 0.00040.
gnomAD v4.1: 92 of 1,613,420 alleles (0.0057%); highest among the groups gnomAD compares: Admixed American, 0.025%; 1 homozygote.

Submissions (4):

Women's Health and Genetics/Laboratory Corporation of America, LabCorp
Classification: Likely benign. Last evaluated: 2026-06-29. Review status: criteria provided, single submitter. Criteria: LabCorp Variant Classification Summary - May 2015. Collection method: clinical testing. Allele origin: germline.

Labcorp Genetics (formerly Invitae), Labcorp
Classification: Likely benign for Autosomal recessive distal spinal muscular atrophy 1; Charcot-Marie-Tooth disease axonal type 2S. Last evaluated: 2026-01-31. Review status: criteria provided, single submitter. Criteria: Invitae Variant Classification Sherloc (09022015). Collection method: clinical testing. Allele origin: germline.

PreventionGenetics, part of Exact Sciences
Classification: Likely benign for IGHMBP2-related condition. Last evaluated: 2025-11-24. Review status: criteria provided, single submitter. Criteria: ACMG Guidelines, 2015. Collection method: clinical testing. Allele origin: germline.
Comment: This variant is classified as likely benign based on ACMG/AMP sequence variant interpretation guidelines (Richards et al. 2015 PMID: 25741868, with internal and published modifications).

ARUP Laboratories, Molecular Genetics and Genomics, ARUP Laboratories
Classification: Likely benign. Last evaluated: 2021-02-14. Review status: criteria provided, single submitter. Criteria: ARUP Molecular Germline Variant Investigation Process 2021. Collection method: clinical testing. Allele origin: germline.

NM_002180.3(IGHMBP2):c.1060+10C>T

Gene: IGHMBP2 (immunoglobulin mu DNA binding protein 2; plus strand). Cytogenetic location: 11q13.3.
Variant type: single nucleotide variant.
Coding change: c.1060+10C>T on transcript NM_002180.3 (MANE Select); 10 bases into the intron after coding-DNA position 1060, C replaced by T.
Molecular consequence: intron variant.
Genome position (GRCh38, 1-based): chr11:68,917,893, C>T. VCF-style: chr11-68917893-C-T. GRCh37 (hg19) VCF-style: chr11-68685361-C-T.
Identifiers: ClinVar variation 534942 (VCV000534942.21), dbSNP rs200170825, ClinGen allele CA6153490.